The following is an entry in ClinVar:

NM_000321.3(RB1):c.2455C>T (p.Leu819=)

Gene: RB1 (RB transcriptional corepressor 1; plus strand). Cytogenetic location: 13q14.2.
Variant type: single nucleotide variant.
Coding change: c.2455C>T on transcript NM_000321.3 (MANE Select); coding-DNA position 2455, C replaced by T.
Protein change: p.Leu819=; no amino-acid change (leucine 819 retained).
Molecular consequence: synonymous variant.
Genome position (GRCh38, 1-based): chr13:48,465,334, C>T. VCF-style: chr13-48465334-C-T. GRCh37 (hg19) VCF-style: chr13-49039470-C-T.
Identifiers: ClinVar variation 416487 (VCV000416487.55), dbSNP rs375751988, ClinGen allele CA035586.

ClinVar aggregate classification (germline): Benign/Likely benign. Review status: criteria provided, multiple submitters, no conflicts (2 of 4 stars). 10 submissions from 10 submitters: Benign (4); Likely benign (5). 1 of the submissions does not count toward it. Last evaluated 2026-09-01.

Conditions:
Retinoblastoma (RB1). Also called: RETINOBLASTOMA, SOMATIC. Identifiers: Orphanet 790, MedGen C0035335, MeSH D012175, MONDO:0008380, OMIM 180200, HP:0009919. Disease mechanism: loss of function. Inheritance: Both sporadic and heritable forms are tested..
RB1-related disorder. Also called: RB1-related condition.
Hereditary cancer-predisposing syndrome. Also called: Hereditary neoplastic syndrome; Neoplastic Syndromes, Hereditary; Hereditary Cancer Syndrome; Tumor predisposition. Identifiers: Orphanet 140162, MedGen C0027672, MeSH D009386, MONDO:0015356.

Allele frequency attached by ClinVar (database versions not stated): TOPMed 0.00013; ESP Exome Variant Server 0.00023.
gnomAD v4.1: 310 of 1,609,376 alleles (0.019%); highest among the groups gnomAD compares: Non-Finnish European, 0.023%; no homozygotes.

Submissions (10):

CeGaT Center for Human Genetics Tuebingen
Classification: Likely benign. Last evaluated: 2026-09-01. Review status: criteria provided, single submitter. Criteria: CeGaT Center For Human Genetics Tuebingen Variant Classification Criteria Version 2. Collection method: clinical testing. Allele origin: germline. Affected: yes. Observed: 3 variant alleles.
Comment: RB1: BP4, BP7

Myriad Genetics, Inc.
Classification: Benign for Retinoblastoma. Last evaluated: 2026-06-25. Review status: criteria provided, single submitter. Criteria: Myriad Autosomal Dominant, Autosomal Recessive and X-Linked Classification Criteria (2023). Collection method: clinical testing. Allele origin: unknown.
Comment: This variant is considered benign. This variant is a silent/synonymous amino acid change and it is not expected to impact splicing.

Labcorp Genetics (formerly Invitae), Labcorp
Classification: Benign for Retinoblastoma. Last evaluated: 2026-02-04. Review status: criteria provided, single submitter. Criteria: Invitae Variant Classification Sherloc (09022015). Collection method: clinical testing. Allele origin: germline.

Blueprint Genetics
Classification: Likely benign. Last evaluated: 2024-08-08. Review status: criteria provided, single submitter. Criteria: ACMG Guidelines, 2015. Collection method: clinical testing. Allele origin: germline.

All of Us Research Program, National Institutes of Health
Classification: Benign for Retinoblastoma. Last evaluated: 2024-02-05. Review status: criteria provided, single submitter. Criteria: ACMG Guidelines, 2015. Collection method: clinical testing. Allele origin: germline. Inheritance: Autosomal dominant inheritance. Observed: 40 variant alleles, 40 heterozygotes.
Comment: This study involves interpretation of variants in research participants for the purpose of population health screening. Participant phenotype was not available at the time of variant classification. Additional details can be found in publication PMID: 35346344, PMCID: PMC8962531

Color Diagnostics, LLC DBA Color Health
Classification: Benign for Retinoblastoma. Last evaluated: 2022-05-04. Review status: criteria provided, single submitter. Criteria: ACMG Guidelines, 2015. Collection method: clinical testing. Allele origin: germline.

Sema4
Classification: Likely benign for Hereditary cancer-predisposing syndrome. Last evaluated: 2021-02-01. Review status: criteria provided, single submitter. Criteria: Sema4 Curation Guidelines. Collection method: curation. Allele origin: germline.

GeneDx
Classification: Likely benign. Last evaluated: 2019-07-31. Review status: criteria provided, single submitter. Criteria: GeneDx Variant Classification Process June 2021. Collection method: clinical testing. Allele origin: germline. Affected: yes.

Ambry Genetics
Classification: Likely benign for Hereditary cancer-predisposing syndrome. Last evaluated: 2017-05-03. Review status: criteria provided, single submitter. Criteria: Ambry Variant Classification Scheme 2023. Collection method: clinical testing. Allele origin: germline.

PreventionGenetics, part of Exact Sciences
Classification: Likely benign for RB1-related condition. Last evaluated: 2019-09-09. Review status: no assertion criteria provided. Collection method: clinical testing. Allele origin: germline. Not counted in ClinVar's aggregate classification.
Comment: This variant is classified as likely benign based on ACMG/AMP sequence variant interpretation guidelines (Richards et al. 2015 PMID: 25741868, with internal and published modifications).